The following is an entry in ClinVar:

NM_002691.4(POLD1):c.2152C>G (p.Gln718Glu)

Gene: POLD1 (DNA polymerase delta 1, catalytic subunit; plus strand). Cytogenetic location: 19q13.33.
Variant type: single nucleotide variant.
Coding change: c.2152C>G on transcript NM_002691.4 (MANE Select); coding-DNA position 2152, C replaced by G.
Protein change: p.Gln718Glu; replaces glutamine 718 with glutamic acid.
Molecular consequence: missense variant. On other transcripts: non-coding transcript variant (1).
Genome position (GRCh38, 1-based): chr19:50,409,664, C>G. VCF-style: chr19-50409664-C-G. GRCh37 (hg19) VCF-style: chr19-50912921-C-G.
Other names: c.2152C>G, p.Gln718Glu (NM_001256849.1); c.2230C>G, p.Gln744Glu (NM_001308632.1); short protein forms Q718E, Q744E.
Identifiers: ClinVar variation 1461366 (VCV001461366.8), dbSNP rs2122390160, ClinGen allele CA406982735.

ClinVar aggregate classification (germline): Uncertain significance (1 of 4 stars; one submission).

Conditions:
POLD1-related polyposis and colorectal cancer syndrome (CRCS10). Also called: Colorectal cancer 10; COLORECTAL CANCER, SUSCEPTIBILITY TO, ON CHROMOSOME 19q; Colorectal cancer, susceptibility to, 10. Identifiers: Orphanet 220460, MedGen C2675481, MONDO:0012953, OMIM 612591.

Submission:

Labcorp Genetics (formerly Invitae), Labcorp
Classification: Uncertain significance for POLD1-related polyposis and colorectal cancer syndrome. Last evaluated: 2021-03-29. Review status: criteria provided, single submitter. Criteria: Invitae Variant Classification Sherloc (09022015). Collection method: clinical testing. Allele origin: germline.
Comment: In summary, the available evidence is currently insufficient to determine the role of this variant in disease. Therefore, it has been classified as a Variant of Uncertain Significance. Algorithms developed to predict the effect of missense changes on protein structure and function are either unavailable or do not agree on the potential impact of this missense change (SIFT: "Tolerated"; PolyPhen-2: "Possibly Damaging"; Align-GVGD: "Class C0"). This variant has not been reported in the literature in individuals with POLD1-related conditions. This variant is not present in population databases (ExAC no frequency). This sequence change replaces glutamine with glutamic acid at codon 718 of the POLD1 protein (p.Gln718Glu). The glutamine residue is highly conserved and there is a small physicochemical difference between glutamine and glutamic acid.